The following is an entry in ClinVar:

NM_000222.3(KIT):c.1108A>C (p.Asn370His)

Gene: KIT (KIT proto-oncogene, receptor tyrosine kinase; plus strand). Cytogenetic location: 4q12.
Variant type: single nucleotide variant.
Coding change: c.1108A>C on transcript NM_000222.3 (MANE Select); coding-DNA position 1108, A replaced by C.
Protein change: p.Asn370His; replaces asparagine 370 with histidine.
Molecular consequence: missense variant.
Genome position (GRCh38, 1-based): chr4:54,707,280, A>C. VCF-style: chr4-54707280-A-C. GRCh37 (hg19) VCF-style: chr4-55573446-A-C.
Other names: c.1108A>C, p.Asn370His (NM_001093772.2, NM_001385285.1, NM_001385286.1); c.1111A>C, p.Asn371His (NM_001385284.1, NM_001385288.1, NM_001385290.1 and 1 more transcripts); short protein forms N370H, N371H.
Identifiers: ClinVar variation 1970488 (VCV001970488.5), dbSNP rs2475479246, ClinGen allele CA356901188.
Genomic context (GRCh38, chr4:54,707,280, plus strand): 5'-TATATGAACAGAACCTTCACTGATAAATGGGAAGATTATCCCAAGTCTGAGAATGAAAGT[A>C]ATATCAGGTAAGAAATGGACCTTGCCCTGGGGGATTACACATTACCCCCTTTTCCAGTGG-3'
Protein context (NP_000213.1, residues 360-380): EDYPKSENES[Asn370His]IRYVSELHLT

ClinVar aggregate classification (germline): Uncertain significance (1 of 4 stars; one submission).

Conditions:
Gastrointestinal stromal tumor. Also called: Gastrointestinal stroma tumor; Gastrointestinal stromal tumor, somatic. Identifiers: Orphanet 44890, MedGen C0238198, MeSH D046152, MONDO:0011719, OMIM 606764, HP:0100723.

Submission:

Labcorp Genetics (formerly Invitae), Labcorp
Classification: Uncertain significance for Gastrointestinal stromal tumor. Last evaluated: 2022-03-18. Review status: criteria provided, single submitter. Criteria: Invitae Variant Classification Sherloc (09022015). Collection method: clinical testing. Allele origin: germline.
Comment: This sequence change replaces asparagine, which is neutral and polar, with histidine, which is basic and polar, at codon 370 of the KIT protein (p.Asn370His). This variant is not present in population databases (gnomAD no frequency). This variant has not been reported in the literature in individuals affected with KIT-related conditions. Algorithms developed to predict the effect of missense changes on protein structure and function (SIFT, PolyPhen-2, Align-GVGD) all suggest that this variant is likely to be disruptive. In summary, the available evidence is currently insufficient to determine the role of this variant in disease. Therefore, it has been classified as a Variant of Uncertain Significance.